The following is an entry in ClinVar:

ClinVar aggregate classification (germline): Conflicting classifications of pathogenicity. Review status: criteria provided, conflicting classifications (1 of 4 stars). 8 submissions from 8 submitters: Uncertain significance (2); Likely benign (5). 1 of the submissions does not count toward it. Last evaluated 2025-11-17.

Conditions:
Hereditary cancer-predisposing syndrome. Also called: Tumor predisposition; Neoplastic Syndromes, Hereditary; Hereditary Cancer Syndrome; Hereditary neoplastic syndrome. Identifiers: Orphanet 140162, MedGen C0027672, MeSH D009386, MONDO:0015356.
Tuberous sclerosis syndrome (TSC). Also called: Tuberous Sclerosis Complex; Tuberous sclerosis. Identifiers: Orphanet 805, MedGen C0041341, MONDO:0001734.
Isolated focal cortical dysplasia type II (FCORD2). Also called: Focal cortical dysplasia type II; CORTICAL DYSPLASIA OF TAYLOR. Identifiers: Orphanet 268994, MedGen C1846385, MONDO:0011818, OMIM 607341, HP:0032051.
Tuberous sclerosis 1 (TSC1). Identifiers: Orphanet 805, MedGen C1854465, MONDO:0008612, OMIM 191100.

Allele frequency attached by ClinVar (database versions not stated): gnomAD 0.00001; TOPMed 0.00001; ExAC 0.00002; gnomAD exomes 0.00002.
gnomAD v4.1: 25 of 1,614,100 alleles (0.0015%); highest among the groups gnomAD compares: East Asian, 0.013%; no homozygotes.

Submissions (8):

Labcorp Genetics (formerly Invitae), Labcorp
Classification: Likely benign for Tuberous sclerosis 1. Last evaluated: 2025-11-17. Review status: criteria provided, single submitter. Criteria: Invitae Variant Classification Sherloc (09022015). Collection method: clinical testing. Allele origin: germline.

Ambry Genetics
Classification: Uncertain significance for Hereditary cancer-predisposing syndrome. Last evaluated: 2024-07-09. Review status: criteria provided, single submitter. Criteria: Ambry Variant Classification Scheme 2023. Collection method: clinical testing. Allele origin: germline.
Comment: The p.R22W variant (also known as c.64C>T), located in coding exon 1 of the TSC1 gene, results from a C to T substitution at nucleotide position 64. The arginine at codon 22 is replaced by tryptophan, an amino acid with dissimilar properties. This variant has been reported in 1/1120 pediatric cancer patients who underwent whole genome sequencing and/or whole exome sequencing; this patient was diagnosed with core binding factor acute myeloid leukemia (Zhang J et al. N Engl J Med, 2015 Dec;373:2336-2346). This amino acid position is not well conserved in available vertebrate species. In addition, the in silico prediction for this alteration is inconclusive. Since supporting evidence is limited at this time, the clinical significance of this alteration remains unclear.

Color Diagnostics, LLC DBA Color Health
Classification: Likely benign for Tuberous sclerosis syndrome. Last evaluated: 2023-05-31. Review status: criteria provided, single submitter. Criteria: ACMG Guidelines, 2015. Collection method: clinical testing. Allele origin: germline.

Genome-Nilou Lab
Classification: Likely benign for Tuberous sclerosis 1. Last evaluated: 2021-11-07. Review status: criteria provided, single submitter. Criteria: ACMG Guidelines, 2015. Collection method: clinical testing. Allele origin: germline. Affected: no.

St. Jude Molecular Pathology, St. Jude Children's Research Hospital
Classification: Uncertain significance for Tuberous sclerosis syndrome. Last evaluated: 2021-05-20. Review status: criteria provided, single submitter. Criteria: St. Jude Assertion Criteria 2020. Collection method: clinical testing. Allele origin: germline.
Comment: The TSC1 c.64C>T (p.Arg22Trp) missense change has a maximum frequency of 0.011% in gnomAD v2.1.1 (PM2_supporting). In silico tools are not in agreement about the effect of this variant on protein function. Functional assays indicate that this variant may disrupt the TSC1-TSC2 complex and activate the mTOR pathway (PMID: 28215400). This variant was identified as a low-level somatic mutation in the brain tissue of three individuals with focal cortical dysplasia (PMID: 28215400). To our knowledge, this variant has not been reported in individuals with tuberous sclerosis complex. In summary, this variant meets criteria to be classified as of uncertain significance based on the ACMG/AMP criteria: PM2_supporting.

Sema4
Classification: Likely benign for Hereditary cancer-predisposing syndrome. Last evaluated: 2021-04-30. Review status: criteria provided, single submitter. Criteria: Sema4 Curation Guidelines. Collection method: curation. Allele origin: germline.

GeneDx
Classification: Likely benign. Last evaluated: 2020-06-19. Review status: criteria provided, single submitter. Criteria: GeneDx Variant Classification Process June 2021. Collection method: clinical testing. Allele origin: germline. Affected: yes.

OMIM
Classification: Pathogenic for FOCAL CORTICAL DYSPLASIA, TYPE II, SOMATIC. Last evaluated: 2017-04-11. Review status: no assertion criteria provided. Collection method: literature only. Allele origin: somatic. Not counted in ClinVar's aggregate classification.

Literature cited by the submitters: PubMed 26580448 (cited by Ambry Genetics); PubMed 30548481 (cited by Ambry Genetics); PubMed 28215400 (cited by OMIM).

NM_000368.5(TSC1):c.64C>T (p.Arg22Trp)

Gene: TSC1 (TSC complex subunit 1; minus strand). Cytogenetic location: 9q34.13.
Variant type: single nucleotide variant.
Coding change: c.64C>T on transcript NM_000368.5 (MANE Select); coding-DNA position 64, C replaced by T.
Protein change: p.Arg22Trp; replaces arginine 22 with tryptophan.
Molecular consequence: missense variant. On other transcripts: 5 prime UTR variant (1).
Genome position (GRCh38, 1-based): chr9:132,928,809, G>A on the plus strand (C>T on the coding strand, the complement: TSC1 is on the minus strand). VCF-style: chr9-132928809-G-A. GRCh37 (hg19) VCF-style: chr9-135804196-G-A.
Other names: c.64C>T, p.Arg22Trp (NM_001162426.2, NM_001162427.2); c.-196C>T (NM_001362177.2); short protein forms R22W.
Identifiers: ClinVar variation 417731 (VCV000417731.25), dbSNP rs749030456, ClinGen allele CA038317.